The following is an entry in ClinVar:

NM_001303256.3(MORC2):c.2971G>A (p.Glu991Lys)

Gene: MORC2 (MORC family CW-type zinc finger 2; minus strand). Cytogenetic location: 22q12.2.
Variant type: single nucleotide variant.
Coding change: c.2971G>A on transcript NM_001303256.3 (MANE Select); coding-DNA position 2971, G replaced by A.
Protein change: p.Glu991Lys; replaces glutamic acid 991 with lysine.
Molecular consequence: missense variant.
Genome position (GRCh38, 1-based): chr22:30,928,078, C>T on the plus strand (G>A on the coding strand, the complement: MORC2 is on the minus strand). VCF-style: chr22-30928078-C-T. GRCh37 (hg19) VCF-style: chr22-31324065-C-T.
Other names: c.2785G>A, p.Glu929Lys (NM_014941.3); c.2971G>A, p.Glu991Lys (NM_001303257.2); short protein forms E929K, E991K.
Identifiers: ClinVar variation 4778619 (VCV004778619.1).
Genomic context (GRCh38, chr22:30,928,078, plus strand): 5'-CCTCCTGCACCTTTTGCAGGAGTGCCACGATGTTGGTCCTCAGCTTCTGCAGCTTCTCCT[C>T]CGTCTCGCGGAGCTTCCTCTCGGAGGTGCGCAGGCTTTCCTCGGAGGCCTTGGCCCGGGA-3'
Protein context (NP_001290185.1, residues 981-1001): RTSERKLRET[Glu991Lys]EKLQKLRTNI

ClinVar aggregate classification (germline): Uncertain significance (1 of 4 stars; one submission).

Conditions:
Charcot-Marie-Tooth disease axonal type 2Z. Also called: CHARCOT-MARIE-TOOTH DISEASE, AXONAL, AUTOSOMAL DOMINANT, TYPE 2Z; CHARCOT-MARIE-TOOTH NEUROPATHY, TYPE 2Z. Identifiers: Orphanet 466768, MedGen C5569025, MONDO:0014736, OMIM 616688.

Submission:

Labcorp Genetics (formerly Invitae), Labcorp
Classification: Uncertain significance for Charcot-Marie-Tooth disease axonal type 2Z. Last evaluated: 2026-02-01. Review status: criteria provided, single submitter. Criteria: Invitae Variant Classification Sherloc (09022015). Collection method: clinical testing. Allele origin: germline.
Comment: This sequence change replaces glutamic acid, which is acidic and polar, with lysine, which is basic and polar, at codon 991 of the MORC2 protein (p.Glu991Lys). This variant is not present in population databases (gnomAD no frequency). This variant has not been reported in the literature in individuals affected with MORC2-related conditions. Invitae Evidence Modeling of protein sequence and biophysical properties (such as structural, functional, and spatial information, amino acid conservation, physicochemical variation, residue mobility, and thermodynamic stability) indicates that this missense variant is not expected to disrupt MORC2 protein function with a negative predictive value of 95%. In summary, the available evidence is currently insufficient to determine the role of this variant in disease. Therefore, it has been classified as a Variant of Uncertain Significance.